The following is an entry in ClinVar:

NM_080424.4(SP110):c.1661G>A (p.Arg554Gln)

Gene: SP110 (SP110 nuclear body protein; minus strand). Cytogenetic location: 2q37.1.
Variant type: single nucleotide variant.
Coding change: c.1661G>A on transcript NM_080424.4 (MANE Select); coding-DNA position 1661, G replaced by A.
Protein change: p.Arg554Gln; replaces arginine 554 with glutamine.
Molecular consequence: missense variant.
Genome position (GRCh38, 1-based): chr2:230,172,889, C>T on the plus strand (G>A on the coding strand, the complement: SP110 is on the minus strand). VCF-style: chr2-230172889-C-T. GRCh37 (hg19) VCF-style: chr2-231037605-C-T.
Other names: c.1679G>A, p.Arg560Gln (NM_001378442.1, NM_001378444.1, NM_001378445.1 and 1 more transcripts); c.1661G>A, p.Arg554Gln (NM_001378443.1, NM_004509.5); short protein forms R554Q, R560Q.
Identifiers: ClinVar variation 1409037 (VCV001409037.6), dbSNP rs199745658, ClinGen allele CA2154389.

ClinVar aggregate classification (germline): Uncertain significance (1 of 4 stars; one submission).

Conditions:
Hepatic veno-occlusive disease-immunodeficiency syndrome. Also called: Hepatic Veno-Occlusive Disease with Immunodeficiency. Identifiers: Orphanet 79124, MedGen C1856128, MONDO:0009338, OMIM 235550. Disease mechanism: loss of function.

Allele frequency attached by ClinVar (database versions not stated): TOPMed below 0.00001; ExAC 0.00001; gnomAD 0.00001; gnomAD exomes 0.00001.
gnomAD v4.1: 3 of 1,613,990 alleles (0.00019%); highest among the groups gnomAD compares: Non-Finnish European, 0.00025%; no homozygotes.

Submission:

Labcorp Genetics (formerly Invitae), Labcorp
Classification: Uncertain significance for Hepatic veno-occlusive disease-immunodeficiency syndrome. Last evaluated: 2022-07-06. Review status: criteria provided, single submitter. Criteria: Invitae Variant Classification Sherloc (09022015). Collection method: clinical testing. Allele origin: germline.
Comment: This sequence change replaces arginine, which is basic and polar, with glutamine, which is neutral and polar, at codon 554 of the SP110 protein (p.Arg554Gln). This variant is present in population databases (rs199745658, gnomAD 0.003%). This variant has not been reported in the literature in individuals affected with SP110-related conditions. ClinVar contains an entry for this variant (Variation ID: 1409037). Algorithms developed to predict the effect of missense changes on protein structure and function are either unavailable or do not agree on the potential impact of this missense change (SIFT: "Deleterious"; PolyPhen-2: "Possibly Damaging"; Align-GVGD: "Class C0"). In summary, the available evidence is currently insufficient to determine the role of this variant in disease. Therefore, it has been classified as a Variant of Uncertain Significance.